The following is an entry in ClinVar:

ClinVar aggregate classification (germline): Uncertain significance (1 of 4 stars; one submission).

Allele frequency attached by ClinVar (database versions not stated): ExAC 0.00002; gnomAD exomes 0.00001.
gnomAD v4.1: 6 of 1,614,186 alleles (0.00037%); highest among the groups gnomAD compares: East Asian, 0.013%; no homozygotes.

Submission:

Labcorp Genetics (formerly Invitae), Labcorp
Classification: Uncertain significance. Last evaluated: 2022-03-09. Review status: criteria provided, single submitter. Criteria: Invitae Variant Classification Sherloc (09022015). Collection method: clinical testing. Allele origin: germline.
Comment: This sequence change replaces glutamine, which is neutral and polar, with leucine, which is neutral and non-polar, at codon 2437 of the LRP2 protein (p.Gln2437Leu). This variant is present in population databases (rs778650962, gnomAD 0.02%). This variant has not been reported in the literature in individuals affected with LRP2-related conditions. Advanced modeling of protein sequence and biophysical properties (such as structural, functional, and spatial information, amino acid conservation, physicochemical variation, residue mobility, and thermodynamic stability) performed at Invitae indicates that this missense variant is expected to disrupt LRP2 protein function. In summary, the available evidence is currently insufficient to determine the role of this variant in disease. Therefore, it has been classified as a Variant of Uncertain Significance.

NM_004525.3(LRP2):c.7310A>T (p.Gln2437Leu)

Gene: LRP2 (LDL receptor related protein 2; minus strand). Cytogenetic location: 2q31.1.
Variant type: single nucleotide variant.
Coding change: c.7310A>T on transcript NM_004525.3 (MANE Select); coding-DNA position 7310, A replaced by T.
Protein change: p.Gln2437Leu; replaces glutamine 2437 with leucine.
Molecular consequence: missense variant.
Genome position (GRCh38, 1-based): chr2:169,206,410, T>A on the plus strand (A>T on the coding strand, the complement: LRP2 is on the minus strand). VCF-style: chr2-169206410-T-A. GRCh37 (hg19) VCF-style: chr2-170062920-T-A.
Other names: short protein forms Q2437L.
Identifiers: ClinVar variation 1410369 (VCV001410369.3), dbSNP rs778650962, ClinGen allele CA1954137.